The following is an entry in ClinVar:

ClinVar aggregate classification (germline): Pathogenic (1 of 4 stars; one submission).

Conditions:
Nephronophthisis. Also called: Juvenile Nephronophthisis. Identifiers: Orphanet 655, MedGen C0687120, MONDO:0019005, HP:0000090.

Submission:

Labcorp Genetics (formerly Invitae), Labcorp
Classification: Pathogenic for Nephronophthisis. Last evaluated: 2023-11-14. Review status: criteria provided, single submitter. Criteria: Invitae Variant Classification Sherloc (09022015). Collection method: clinical testing. Allele origin: germline.
Comment: This sequence change creates a premature translational stop signal (p.Glu906Thrfs*96) in the INVS gene. It is expected to result in an absent or disrupted protein product. Loss-of-function variants in INVS are known to be pathogenic (PMID: 12872123). This variant is present in population databases (no rsID available, gnomAD 0.0009%). This variant has not been reported in the literature in individuals affected with INVS-related conditions. For these reasons, this variant has been classified as Pathogenic.

Literature cited by the submitters: PubMed 12872123.

NM_014425.5(INVS):c.2716_2717del (p.Glu906fs)

Gene: INVS (inversin; plus strand). Cytogenetic location: 9q31.1.
Variant type: Microsatellite.
Coding change: c.2716_2717del on transcript NM_014425.5 (MANE Select); coding-DNA positions 2716 to 2717, 2 bases deleted (GA; older notation c.2716_2717delGA).
Protein change: p.Glu906fs; shifts the reading frame from glutamic acid 906.
Molecular consequence: frameshift variant. On other transcripts: non-coding transcript variant (1).
Genome position (GRCh38, 1-based): chr9:100,292,973-100,292,974, GA deleted; deleting any 2 consecutive bases within chr9:100,292,968-100,292,974 gives the same sequence; the c. name uses the placement nearest the transcript's 3' end. VCF-style (leftmost placement, unchanged base first): chr9-100292967-CAG-C. GRCh37 (hg19) VCF-style: chr9-103055249-CAG-C.
Other names: c.2428_2429del, p.Glu810fs (NM_001318381.2); c.1738_1739del, p.Glu580fs (NM_001318382.2); short protein forms E810fs, E906fs, E580fs.
Identifiers: ClinVar variation 2745697 (VCV002745697.3), dbSNP rs1303311376, ClinGen allele CA590045133.